The following is an entry in ClinVar:

ClinVar aggregate classification (germline): Pathogenic. Review status: criteria provided, multiple submitters, no conflicts (2 of 4 stars). 2 submissions from 2 submitters: Pathogenic (2). Last evaluated 2022-08-09.

Conditions:
Adams-Oliver syndrome 2 (AOS2). Identifiers: Orphanet 974, MedGen C3280182, MONDO:0013635, OMIM 614219.

Submissions (2):

Labcorp Genetics (formerly Invitae), Labcorp
Classification: Pathogenic. Last evaluated: 2022-08-09. Review status: criteria provided, single submitter. Criteria: Invitae Variant Classification Sherloc (09022015). Collection method: clinical testing. Allele origin: germline.
Comment: ClinVar contains an entry for this variant (Variation ID: 1322760). For these reasons, this variant has been classified as Pathogenic. Algorithms developed to predict the effect of sequence changes on RNA splicing suggest that this variant may create or strengthen a splice site. This variant has not been reported in the literature in individuals affected with DOCK6-related conditions. This variant is present in population databases (no rsID available, gnomAD 0.0009%). This sequence change creates a premature translational stop signal (p.Lys1928Thrfs*52) in the DOCK6 gene. It is expected to result in an absent or disrupted protein product. Loss-of-function variants in DOCK6 are known to be pathogenic (PMID: 21820096, 25824905).

Revvity Omics, Revvity
Classification: Pathogenic for Adams-Oliver syndrome 2. Last evaluated: 2020-09-05. Review status: criteria provided, single submitter. Criteria: ACMG Guidelines, 2015. Collection method: clinical testing. Allele origin: germline.

Literature cited by the submitters: PubMed 21820096 (cited by Labcorp Genetics (formerly Invitae), Labcorp); PubMed 25824905 (cited by Labcorp Genetics (formerly Invitae), Labcorp).

NM_020812.4(DOCK6):c.5783_5790del (p.Lys1928fs)

Gene: DOCK6 (dedicator of cytokinesis 6; minus strand). Cytogenetic location: 19p13.2.
Variant type: Microsatellite.
Coding change: c.5783_5790del on transcript NM_020812.4 (MANE Select); coding-DNA positions 5783 to 5790, 8 bases deleted (AGATGCTA; older notation c.5783_5790delAGATGCTA).
Protein change: p.Lys1928fs; shifts the reading frame from lysine 1928.
Molecular consequence: frameshift variant.
Genome position (GRCh38, 1-based): chr19:11,200,951-11,200,958, TAGCATCT deleted on the plus strand (AGATGCTA on the coding strand, the reverse complement: DOCK6 is on the minus strand); deleting any 8 consecutive bases within chr19:11,200,951-11,200,966 gives the same sequence; the c. name uses the placement nearest the transcript's 3' end. VCF-style (leftmost placement, unchanged base first): chr19-11200950-GTAGCATCT-G. GRCh37 (hg19) VCF-style: chr19-11311626-GTAGCATCT-G.
Other names: c.5888_5895del, p.Lys1963fs (NM_001367830.1); short protein forms K1928fs, K1963fs.
Identifiers: ClinVar variation 1322760 (VCV001322760.9), dbSNP rs1232184969, ClinGen allele CA632116029.